The following is an entry in ClinVar:

ClinVar aggregate classification (germline): Likely pathogenic (1 of 4 stars; one submission).

Conditions:
Dilated cardiomyopathy 1G (CMD1G). Identifiers: Orphanet 154, MedGen C1858763, MONDO:0011400, OMIM 604145.
Autosomal recessive limb-girdle muscular dystrophy type 2J (LGMDR10). Also called: Limb-girdle muscular dystrophy, type 2J; MUSCULAR DYSTROPHY, LIMB-GIRDLE, AUTOSOMAL RECESSIVE 10. Identifiers: Orphanet 140922, MedGen C1837342, MONDO:0012127, OMIM 608807.

Submission:

Labcorp Genetics (formerly Invitae), Labcorp
Classification: Likely pathogenic for Dilated cardiomyopathy 1G; Autosomal recessive limb-girdle muscular dystrophy type 2J. Last evaluated: 2025-09-03. Review status: criteria provided, single submitter. Criteria: Invitae Variant Classification Sherloc (09022015). Collection method: clinical testing. Allele origin: germline.
Comment: This sequence change creates a premature translational stop signal (p.Trp27591Metfs*3) in the TTN gene. While this is not anticipated to result in nonsense mediated decay, it is expected to create a truncated TTN protein. This variant is not present in population databases (gnomAD no frequency). This variant has not been reported in the literature in individuals affected with TTN-related conditions. ClinVar contains an entry for this variant (Variation ID: 3757906). This variant is located in the A band of TTN (PMID: 25589632). Truncating variants in this region are significantly overrepresented in patients affected with dilated cardiomyopathy (PMID: 25589632). Truncating variants in this region have also been reported in individuals affected with autosomal recessive centronuclear myopathy (PMID: 23975875). In summary, the currently available evidence indicates that the variant is pathogenic, but additional data are needed to prove that conclusively. Therefore, this variant has been classified as Likely Pathogenic.

Literature cited by the submitters: PubMed 25589632; PubMed 23975875.

NM_001267550.2(TTN):c.82770dup (p.Trp27591fs)

Genes: TTN-AS1 (TTN antisense RNA 1; plus strand), TTN (titin; minus strand). Cytogenetic location: 2q31.2.
Variant type: Duplication.
Coding change: c.82770dup on transcript NM_001267550.2 (MANE Select); coding-DNA position 82770, one base duplicated (A; older notation c.82770dupA).
Protein change: p.Trp27591fs; shifts the reading frame from tryptophan 27591.
Molecular consequence: frameshift variant.
Genome position (GRCh38, 1-based): chr2:178,563,362, T duplicated on the plus strand (A on the coding strand, the reverse complement: TTN is on the minus strand). VCF-style (leftmost placement, unchanged base first): chr2-178563361-A-AT. GRCh37 (hg19) VCF-style: chr2-179428088-A-AT.
Other names: c.75066dup, p.Trp25023fs (NM_133378.4); c.55950dup, p.Trp18651fs (NM_133432.3); c.77847dup, p.Trp25950fs (NM_001256850.1); c.55575dup, p.Trp18526fs (NM_003319.4); c.56151dup, p.Trp18718fs (NM_133437.4); short protein forms W18526fs, W18651fs, W18718fs, W25023fs, W25950fs, W27591fs.
Identifiers: ClinVar variation 3757906 (VCV003757906.2).